The following is an entry in ClinVar:

NM_000361.3(THBD):c.-52G>A

Gene: THBD (thrombomodulin; minus strand). Cytogenetic location: 20p11.21.
Variant type: single nucleotide variant.
Coding change: c.-52G>A on transcript NM_000361.3 (MANE Select); 52 bases upstream of the start codon, G replaced by A.
Molecular consequence: 5 prime UTR variant.
Genome position (GRCh38, 1-based): chr20:23,049,556, C>T on the plus strand (G>A on the coding strand, the complement: THBD is on the minus strand). VCF-style: chr20-23049556-C-T. GRCh37 (hg19) VCF-style: chr20-23030193-C-T.
Identifiers: ClinVar variation 4280586 (VCV004280586.1).

ClinVar aggregate classification (germline): Uncertain significance (1 of 4 stars; one submission).

Conditions:
Thrombomodulin-related bleeding disorder (THPH12). Also called: Thrombophilia due to thrombomodulin defect. Identifiers: Orphanet 436169, MedGen C3280976, MONDO:0013775, OMIM 614486.

Submission:

Genomenon, Inc
Classification: Uncertain significance for Thrombomodulin-related bleeding disorder. Last evaluated: 2025-09-22. Review status: criteria provided, single submitter. Criteria: Genomenon Sequence Variant Interpretation Standards - Updated. Collection method: curation. Allele origin: germline. Affected: no.
Comment: THBD c.-52G>A is a variant located in the 5' untranslated region (5′ UTR). This variant has been reported in the published literature (PMID:15183044). It is absent or not present at a significant frequency in gnomAD. In conclusion, we classify THBD c.-52G>A as a variant of unknown significance.

Literature cited by the submitters: PubMed 15183044.